The following is an entry in ClinVar:

NM_006412.4(AGPAT2):c.461C>A (p.Ala154Asp)

Gene: AGPAT2 (1-acylglycerol-3-phosphate O-acyltransferase 2; minus strand). Cytogenetic location: 9q34.3.
Variant type: single nucleotide variant.
Coding change: c.461C>A on transcript NM_006412.4 (MANE Select); coding-DNA position 461, C replaced by A.
Protein change: p.Ala154Asp; replaces alanine 154 with aspartic acid.
Molecular consequence: missense variant.
Genome position (GRCh38, 1-based): chr9:136,676,992, G>T on the plus strand (C>A on the coding strand, the complement: AGPAT2 is on the minus strand). VCF-style: chr9-136676992-G-T. GRCh37 (hg19) VCF-style: chr9-139571444-G-T.
Other names: c.461C>A, p.Ala154Asp (NM_001012727.2); c.461C>A (NM_006412.3); short protein forms A154D.
Identifiers: ClinVar variation 917423 (VCV000917423.9), dbSNP rs150530734, ClinGen allele CA5342999.

ClinVar aggregate classification (germline): Uncertain significance. Review status: criteria provided, multiple submitters, no conflicts (2 of 4 stars). 4 submissions from 4 submitters: Uncertain significance (4). Last evaluated 2025-10-22.

Conditions:
Monogenic diabetes. Identifiers: Orphanet 183625, MedGen C3888631, MONDO:0015967.
Inborn genetic diseases. Identifiers: MedGen C0950123, MeSH D030342.
Congenital generalized lipodystrophy type 1 (CGL1). Also called: BRUNZELL SYNDROME, AGPAT2-RELATED; Berardinelli-Seip Congenital Lipodystrophy Type 1. Identifiers: Orphanet 528, Orphanet 696189, MedGen C1720862, MONDO:0012071, OMIM 608594.

Allele frequency attached by ClinVar (database versions not stated): gnomAD exomes 0.00006; ExAC 0.00007; gnomAD 0.00017 and 0.00020; ESP Exome Variant Server 0.00023; TOPMed 0.00026; 1000 Genomes Project 0.00040; 1000 Genomes Project 30x 0.00062.

Submissions (4):

Ambry Genetics
Classification: Uncertain significance for Inborn genetic diseases. Last evaluated: 2025-10-22. Review status: criteria provided, single submitter. Criteria: Ambry Variant Classification Scheme 2023. Collection method: clinical testing. Allele origin: germline.

Fulgent Genetics
Classification: Uncertain significance for Congenital generalized lipodystrophy type 1. Last evaluated: 2024-06-10. Review status: criteria provided, single submitter. Criteria: ACMG Guidelines, 2015. Collection method: clinical testing. Allele origin: germline.

Labcorp Genetics (formerly Invitae), Labcorp
Classification: Uncertain significance. Last evaluated: 2022-06-15. Review status: criteria provided, single submitter. Criteria: Invitae Variant Classification Sherloc (09022015). Collection method: clinical testing. Allele origin: germline.
Comment: This sequence change replaces alanine, which is neutral and non-polar, with aspartic acid, which is acidic and polar, at codon 154 of the AGPAT2 protein (p.Ala154Asp). This variant is present in population databases (rs150530734, gnomAD 0.06%). This variant has not been reported in the literature in individuals affected with AGPAT2-related conditions. ClinVar contains an entry for this variant (Variation ID: 917423). Algorithms developed to predict the effect of missense changes on protein structure and function (SIFT, PolyPhen-2, Align-GVGD) all suggest that this variant is likely to be tolerated. In summary, the available evidence is currently insufficient to determine the role of this variant in disease. Therefore, it has been classified as a Variant of Uncertain Significance.

Personalized Diabetes Medicine Program, University of Maryland School of Medicine
Classification: Uncertain significance for Monogenic diabetes. Last evaluated: 2017-12-01. Review status: criteria provided, single submitter. Criteria: ACMG Guidelines, 2015. Collection method: research. Allele origin: unknown. Observed: 1 variant allele, 1 heterozygote.
Comment: ACMG criteria: PP3 (5 predictors), BP4 (5 predictors) = VUS